The following is an entry in ClinVar:

NM_144658.4(DOCK11):c.1947A>G (p.Gln649=)

Gene: DOCK11 (dedicator of cytokinesis 11; plus strand). Cytogenetic location: Xq24.
Variant type: single nucleotide variant.
Coding change: c.1947A>G on transcript NM_144658.4 (MANE Select); coding-DNA position 1947, A replaced by G.
Protein change: p.Gln649=; no amino-acid change (glutamine 649 retained).
Molecular consequence: synonymous variant.
Genome position (GRCh38, 1-based): chrX:118,588,288, A>G. VCF-style: chrX-118588288-A-G. GRCh37 (hg19) VCF-style: chrX-117722251-A-G.
Identifiers: ClinVar variation 4978576 (VCV004978576.1).

ClinVar aggregate classification (germline): Likely benign (1 of 4 stars; one submission).

Conditions:
DOCK11-related disorder. Also called: DOCK11-related condition.

gnomAD v4.1: 40 of 1,183,016 alleles (0.0034%); highest among the groups gnomAD compares: Non-Finnish European, 0.0044%; no homozygotes.

Submission:

PreventionGenetics, part of Exact Sciences
Classification: Likely benign for DOCK11-related condition. Last evaluated: 2024-12-10. Review status: criteria provided, single submitter. Criteria: ACMG Guidelines, 2015. Collection method: clinical testing. Allele origin: germline.
Comment: This variant is classified as likely benign based on ACMG/AMP sequence variant interpretation guidelines (Richards et al. 2015 PMID: 25741868, with internal and published modifications).